The following is an entry in ClinVar:

ClinVar aggregate classification (germline): Benign. Review status: criteria provided, multiple submitters, no conflicts (2 of 4 stars). 4 submissions from 4 submitters: Benign (3). 1 of the submissions does not count toward it. Last evaluated 2026-02-01.

Conditions:
ARHGEF1-related disorder. Also called: ARHGEF1-related condition.

Allele frequency attached by ClinVar (database versions not stated): gnomAD exomes 0.00267 and 0.00648; ExAC 0.00851; 1000 Genomes Project 0.02376; gnomAD 0.02490 and 0.02683; 1000 Genomes Project 30x 0.02639; ESP Exome Variant Server 0.02836; TOPMed 0.02858.
gnomAD v4.1: 7,909 of 1,612,766 alleles (0.49%); highest among the groups gnomAD compares: African/African-American, 8.6%; 290 homozygotes.

Submissions (4):

Labcorp Genetics (formerly Invitae), Labcorp
Classification: Benign. Last evaluated: 2026-02-01. Review status: criteria provided, single submitter. Criteria: Invitae Variant Classification Sherloc (09022015). Collection method: clinical testing. Allele origin: germline.

Women's Health and Genetics/Laboratory Corporation of America, LabCorp
Classification: Benign. Last evaluated: 2026-01-22. Review status: criteria provided, single submitter. Criteria: LabCorp Variant Classification Summary - May 2015. Collection method: clinical testing. Allele origin: germline.

Breakthrough Genomics
Classification: Benign. Review status: criteria provided, single submitter. Criteria: ACMG Guidelines, 2015. Collection method: not provided. Allele origin: germline. Inheritance: Autosomal recessive inheritance. Affected: yes.

PreventionGenetics, part of Exact Sciences
Classification: Benign for ARHGEF1-related condition. Last evaluated: 2019-11-07. Review status: no assertion criteria provided. Collection method: clinical testing. Allele origin: germline. Not counted in ClinVar's aggregate classification.
Comment: This variant is classified as benign based on ACMG/AMP sequence variant interpretation guidelines (Richards et al. 2015 PMID: 25741868, with internal and published modifications).

NM_004706.4(ARHGEF1):c.2052G>A (p.Arg684=)

Gene: ARHGEF1 (Rho guanine nucleotide exchange factor 1; plus strand). Cytogenetic location: 19q13.2.
Variant type: single nucleotide variant.
Coding change: c.2052G>A on transcript NM_004706.4 (MANE Select); coding-DNA position 2052, G replaced by A.
Protein change: p.Arg684=; no amino-acid change (arginine 684 retained).
Molecular consequence: synonymous variant.
Genome position (GRCh38, 1-based): chr19:41,904,274, G>A. VCF-style: chr19-41904274-G-A. GRCh37 (hg19) VCF-style: chr19-42408426-G-A.
Other names: c.1953G>A, p.Arg651= (NM_198977.2); c.2097G>A, p.Arg699= (NM_199002.2); c.2097G>A (NM_199002.1).
Identifiers: ClinVar variation 1166725 (VCV001166725.13), dbSNP rs11083640, ClinGen allele CA9466598.